The following is an entry in ClinVar:

ClinVar aggregate classification (germline): Uncertain significance (1 of 4 stars; one submission).

Allele frequency attached by ClinVar (database versions not stated): TOPMed below 0.00001.

Submission:

GeneDx
Classification: Uncertain significance. Last evaluated: 2025-04-30. Review status: criteria provided, single submitter. Criteria: GeneDx Variant Classification Process June 2021. Collection method: clinical testing. Allele origin: germline. Affected: yes.
Comment: Not observed in large population cohorts (gnomAD); In silico analysis, which includes protein predictors and evolutionary conservation, supports a deleterious effect; Has not been previously published as pathogenic or benign to our knowledge

NM_000744.7(CHRNA4):c.476G>A (p.Ser159Asn)

Gene: CHRNA4 (cholinergic receptor nicotinic alpha 4 subunit; minus strand). Cytogenetic location: 20q13.33.
Variant type: single nucleotide variant.
Coding change: c.476G>A on transcript NM_000744.7 (MANE Select); coding-DNA position 476, G replaced by A.
Protein change: p.Ser159Asn; replaces serine 159 with asparagine.
Molecular consequence: missense variant. On other transcripts: 5 prime UTR variant (1), non-coding transcript variant (1).
Genome position (GRCh38, 1-based): chr20:63,350,935, C>T on the plus strand (G>A on the coding strand, the complement: CHRNA4 is on the minus strand). VCF-style: chr20-63350935-C-T. GRCh37 (hg19) VCF-style: chr20-61982287-C-T.
Other names: c.-53G>A (NM_001256573.2); short protein forms S159N.
Identifiers: ClinVar variation 1310654 (VCV001310654.3), dbSNP rs2068587768, ClinGen allele CA409638487.